The following is an entry in ClinVar:

ClinVar aggregate classification (germline): Pathogenic (1 of 4 stars; one submission).

Conditions:
Intellectual developmental disorder with language impairment and early-onset DOPA-responsive dystonia-parkinsonism (IDLDP). Identifiers: Orphanet 660017, MedGen C5677001, MONDO:0859257, OMIM 619911.

Submission:

Center Lab, King Abdulaziz University
Classification: Pathogenic for Intellectual developmental disorder with language impairment and early-onset DOPA-responsive dystonia-parkinsonism. Last evaluated: 2024-08-09. Review status: criteria provided, single submitter. Criteria: ACMG Guidelines, 2015. Collection method: case-control. Allele origin: de novo. Inheritance: Autosomal dominant inheritance. Affected: yes. Observed: 1 heterozygote.
Comment: The NM_006186.4(NR4A2):c.536del(p.Lys179Serfs*24) variant causes a frameshift change that introduce a premature termination after 179 amino acid. This variation is anticipated to produce a truncated protein that may undergo NMD-mediated loss of function. The variant got 10 ACMG points: 10P and 0B. Criteria applied: PVS1, PM6, PM2_Sup.

Literature cited by the submitters: PubMed 38440907.

NM_006186.4(NR4A2):c.536del (p.Lys179fs)

Gene: NR4A2 (nuclear receptor subfamily 4 group A member 2; minus strand). Cytogenetic location: 2q24.1.
Variant type: Deletion.
Coding change: c.536del on transcript NM_006186.4 (MANE Select); coding-DNA position 536, one base deleted (A; older notation c.536delA).
Protein change: p.Lys179fs; shifts the reading frame from lysine 179.
Molecular consequence: frameshift variant.
Genome position (GRCh38, 1-based): chr2:156,329,651, T deleted on the plus strand (A on the coding strand, the reverse complement: NR4A2 is on the minus strand); the first of 2 consecutive T bases (chr2:156,329,651-156,329,652); deleting either gives the same sequence. VCF-style (leftmost placement, unchanged base first): chr2-156329650-CT-C. GRCh37 (hg19) VCF-style: chr2-157186162-CT-C.
Other names: HZF-3; NOT; NURR1; RNR1; TINUR; c.347del, p.Lys116fs (NM_173173.3); short protein forms K116fs, K179fs.
Identifiers: ClinVar variation 3338030 (VCV003338030.2).